The following is an entry in ClinVar:

ClinVar aggregate classification (germline): Likely benign. Review status: criteria provided, multiple submitters, no conflicts (2 of 4 stars). 4 submissions from 4 submitters: Likely benign (4). Last evaluated 2023-06-26.

Conditions:
Breast-ovarian cancer, familial, susceptibility to, 2 (BROVCA2). Also called: BRCA2 Hereditary Breast and Ovarian Cancer. Identifiers: Orphanet 145, MedGen C2675520, MONDO:0012933, OMIM 612555. Disease mechanism: loss of function.
Hereditary cancer-predisposing syndrome. Also called: Tumor predisposition; Hereditary Cancer Syndrome; Neoplastic Syndromes, Hereditary; Hereditary neoplastic syndrome. Identifiers: Orphanet 140162, MedGen C0027672, MeSH D009386, MONDO:0015356.
Hereditary breast ovarian cancer syndrome. Also called: BRCA1- and BRCA2-Associated Hereditary Breast and Ovarian Cancer; Hereditary breast and ovarian cancer; Hereditary breast and ovarian cancer syndrome (HBOC); Breast and ovarian cancer; Hereditary breast and/or ovarian cancer syndrome; Hereditary breast and ovarian cancer syndrome. Identifiers: Orphanet 145, MedGen C0677776, MeSH D061325, MONDO:0003582. Disease mechanism: loss of function.

Submissions (4):

All of Us Research Program, National Institutes of Health
Classification: Likely benign for Breast-ovarian cancer, familial, susceptibility to, 2. Last evaluated: 2023-06-26. Review status: criteria provided, single submitter. Criteria: ACMG Guidelines, 2015. Collection method: clinical testing. Allele origin: germline. Inheritance: Autosomal dominant inheritance. Observed: 1 variant allele, 1 heterozygote.
Comment: This study involves interpretation of variants in research participants for the purpose of population health screening. Participant phenotype was not available at the time of variant classification. Additional details can be found in publication PMID: 35346344, PMCID: PMC8962531

Labcorp Genetics (formerly Invitae), Labcorp
Classification: Likely benign for Hereditary breast ovarian cancer syndrome. Last evaluated: 2022-12-15. Review status: criteria provided, single submitter. Criteria: Invitae Variant Classification Sherloc (09022015). Collection method: clinical testing. Allele origin: germline.

Color Diagnostics, LLC DBA Color Health
Classification: Likely benign for Hereditary cancer-predisposing syndrome. Last evaluated: 2022-12-13. Review status: criteria provided, single submitter. Criteria: ACMG Guidelines, 2015. Collection method: clinical testing. Allele origin: germline.

Ambry Genetics
Classification: Likely benign for Hereditary cancer-predisposing syndrome. Last evaluated: 2021-10-06. Review status: criteria provided, single submitter. Criteria: Ambry Variant Classification Scheme 2023. Collection method: clinical testing. Allele origin: germline.

NM_000059.4(BRCA2):c.726A>G (p.Lys242=)

Gene: BRCA2 (BRCA2 DNA repair associated; plus strand). Cytogenetic location: 13q13.1.
Variant type: single nucleotide variant.
Coding change: c.726A>G on transcript NM_000059.4 (MANE Select); coding-DNA position 726, A replaced by G.
Protein change: p.Lys242=; no amino-acid change (lysine 242 retained).
Molecular consequence: synonymous variant.
Genome position (GRCh38, 1-based): chr13:32,330,963, A>G. VCF-style: chr13-32330963-A-G. GRCh37 (hg19) VCF-style: chr13-32905100-A-G.
Identifiers: ClinVar variation 754965 (VCV000754965.14), dbSNP rs1593890200, ClinGen allele CA483274427.